The following is an entry in ClinVar:

ClinVar aggregate classification (germline): Uncertain significance. Review status: criteria provided, multiple submitters, no conflicts (2 of 4 stars). 4 submissions from 4 submitters: Uncertain significance (4). Last evaluated 2024-05-08.

Conditions:
Familial cancer of breast. Also called: Hereditary breast cancer; hereditary breast carcinoma; BREAST CANCER, FAMILIAL. Identifiers: Orphanet 227535, MedGen C0346153, MONDO:0016419, OMIM 114480. Disease mechanism: loss of function.
Fanconi anemia complementation group J. Also called: BRIP1-Related Fanconi Anemia. Identifiers: Orphanet 84, MedGen C1836860, MONDO:0012187, OMIM 609054.
Hereditary cancer-predisposing syndrome. Also called: Neoplastic Syndromes, Hereditary; Hereditary Cancer Syndrome; Hereditary neoplastic syndrome; Tumor predisposition. Identifiers: Orphanet 140162, MedGen C0027672, MeSH D009386, MONDO:0015356.

Submissions (4):

GeneDx
Classification: Uncertain significance. Last evaluated: 2024-05-08. Review status: criteria provided, single submitter. Criteria: GeneDx Variant Classification Process June 2021. Collection method: clinical testing. Allele origin: germline. Affected: yes.
Comment: Not observed at significant frequency in large population cohorts (gnomAD); In silico analysis supports that this missense variant has a deleterious effect on protein structure/function; Has not been previously published as pathogenic or benign to our knowledge; This variant is associated with the following publications: (PMID: 11301010, 36922933)

Ambry Genetics
Classification: Uncertain significance for Hereditary cancer-predisposing syndrome. Last evaluated: 2023-12-29. Review status: criteria provided, single submitter. Criteria: Ambry Variant Classification Scheme 2023. Collection method: clinical testing. Allele origin: germline.
Comment: The p.Y822C variant (also known as c.2465A>G), located in coding exon 16 of the BRIP1 gene, results from an A to G substitution at nucleotide position 2465. The tyrosine at codon 822 is replaced by cysteine, an amino acid with highly dissimilar properties. This amino acid position is highly conserved in available vertebrate species. In addition, this alteration is predicted to be deleterious by in silico analysis. Since supporting evidence is limited at this time, the clinical significance of this alteration remains unclear.

Color Diagnostics, LLC DBA Color Health
Classification: Uncertain significance for Hereditary cancer-predisposing syndrome. Last evaluated: 2023-05-08. Review status: criteria provided, single submitter. Criteria: ACMG Guidelines, 2015. Collection method: clinical testing. Allele origin: germline.
Comment: This missense variant replaces tyrosine with cysteine at codon 822 of the BRIP1 protein. Computational prediction suggests that this variant may have deleterious impact on protein structure and function (internally defined REVEL score threshold >= 0.7, PMID: 27666373). To our knowledge, functional studies have not been reported for this variant. This variant has not been reported in individuals affected with BRIP1-related disorders in the literature. This variant has not been identified in the general population by the Genome Aggregation Database (gnomAD). The available evidence is insufficient to determine the role of this variant in disease conclusively. Therefore, this variant is classified as a Variant of Uncertain Significance.

Labcorp Genetics (formerly Invitae), Labcorp
Classification: Uncertain significance for Familial cancer of breast; Fanconi anemia complementation group J. Last evaluated: 2021-08-31. Review status: criteria provided, single submitter. Criteria: Invitae Variant Classification Sherloc (09022015). Collection method: clinical testing. Allele origin: germline.
Comment: This sequence change replaces tyrosine with cysteine at codon 822 of the BRIP1 protein (p.Tyr822Cys). The tyrosine residue is highly conserved and there is a large physicochemical difference between tyrosine and cysteine. This variant is not present in population databases (ExAC no frequency). This variant has not been reported in the literature in individuals affected with BRIP1-related conditions. ClinVar contains an entry for this variant (Variation ID: 141203). Algorithms developed to predict the effect of missense changes on protein structure and function (SIFT, PolyPhen-2, Align-GVGD) all suggest that this variant is likely to be disruptive. In summary, the available evidence is currently insufficient to determine the role of this variant in disease. Therefore, it has been classified as a Variant of Uncertain Significance.

NM_032043.3(BRIP1):c.2465A>G (p.Tyr822Cys)

Gene: BRIP1 (BRCA1 interacting DNA helicase 1; minus strand). Cytogenetic location: 17q23.2.
Variant type: single nucleotide variant.
Coding change: c.2465A>G on transcript NM_032043.3 (MANE Select); coding-DNA position 2465, A replaced by G.
Protein change: p.Tyr822Cys; replaces tyrosine 822 with cysteine.
Molecular consequence: missense variant.
Genome position (GRCh38, 1-based): chr17:61,715,978, T>C on the plus strand (A>G on the coding strand, the complement: BRIP1 is on the minus strand). VCF-style: chr17-61715978-T-C. GRCh37 (hg19) VCF-style: chr17-59793339-T-C.
Other names: short protein forms Y822C.
Identifiers: ClinVar variation 141203 (VCV000141203.14), dbSNP rs587781572, ClinGen allele CA164760.